The following is an entry in ClinVar:

NM_015570.4(AUTS2):c.238T>C (p.Ser80Pro)

Gene: AUTS2 (activator of transcription and developmental regulator AUTS2; plus strand). Cytogenetic location: 7q11.22.
Variant type: single nucleotide variant.
Coding change: c.238T>C on transcript NM_015570.4 (MANE Select); coding-DNA position 238, T replaced by C.
Protein change: p.Ser80Pro; replaces serine 80 with proline.
Molecular consequence: missense variant.
Genome position (GRCh38, 1-based): chr7:69,599,891, T>C. VCF-style: chr7-69599891-T-C. GRCh37 (hg19) VCF-style: chr7-69064877-T-C.
Other names: c.238T>C, p.Ser80Pro (NM_001127231.3, NM_001127232.3); short protein forms S80P.
Identifiers: ClinVar variation 3573662 (VCV003573662.1).

ClinVar aggregate classification (germline): Uncertain significance (1 of 4 stars; one submission).

Submission:

GeneDx
Classification: Uncertain significance. Last evaluated: 2024-07-18. Review status: criteria provided, single submitter. Criteria: GeneDx Variant Classification Process June 2021. Collection method: clinical testing. Allele origin: germline. Affected: yes.
Comment: Not observed at significant frequency in large population cohorts (gnomAD); In silico analysis supports that this missense variant has a deleterious effect on protein structure/function; Has not been previously published as pathogenic or benign to our knowledge